The following is an entry in ClinVar:

ClinVar aggregate classification (germline): Pathogenic (1 of 4 stars; one submission).

Conditions:
Spastic paraplegia. Identifiers: MedGen C0037772, HP:0001258.

Submission:

Labcorp Genetics (formerly Invitae), Labcorp
Classification: Pathogenic for Spastic paraplegia. Last evaluated: 2022-08-19. Review status: criteria provided, single submitter. Criteria: Invitae Variant Classification Sherloc (09022015). Collection method: clinical testing. Allele origin: germline.
Comment: For these reasons, this variant has been classified as Pathogenic. This variant disrupts a region of the SACS protein in which other variant(s) (p.Asn4549Asp) have been determined to be pathogenic (PMID: 15156359, 21507954). This suggests that this is a clinically significant region of the protein, and that variants that disrupt it are likely to be disease-causing. This variant has not been reported in the literature in individuals affected with SACS-related conditions. This variant results in the deletion of part of exon 10 (c.12711_*284del) of the SACS gene. While this is not anticipated to result in nonsense mediated decay, it is expected to disrupt the last 341 amino acid(s) of the SACS protein.

Literature cited by the submitters: PubMed 15156359; PubMed 21507954.

NC_000013.10:g.(?_23903991)_(23905304_?)del

Gene: SACS (sacsin molecular chaperone; minus strand). Cytogenetic location: 13q12.12.
Variant type: Deletion.
Identifiers: ClinVar variation 2425947 (VCV002425947.3).